The following is an entry in ClinVar:

NM_020066.5(FMN2):c.3306A>T (p.Leu1102=)

Gene: FMN2 (formin 2; plus strand). Cytogenetic location: 1q43.
Variant type: single nucleotide variant.
Coding change: c.3306A>T on transcript NM_020066.5 (MANE Select); coding-DNA position 3306, A replaced by T.
Protein change: p.Leu1102=; no amino-acid change (leucine 1102 retained).
Molecular consequence: synonymous variant. On other transcripts: intron variant (1).
Genome position (GRCh38, 1-based): chr1:240,208,118, A>T. VCF-style: chr1-240208118-A-T. GRCh37 (hg19) VCF-style: chr1-240371418-A-T.
Other names: c.3306A>T (NM_020066.4); c.3318A>T, p.Leu1106= (NM_001305424.2); c.1986+19856A>T (NM_001348094.2).
Identifiers: ClinVar variation 2582877 (VCV002582877.27), dbSNP rs201253596, ClinGen allele CA1477082.

ClinVar aggregate classification (germline): Likely benign. Review status: criteria provided, multiple submitters, no conflicts (2 of 4 stars). 3 submissions from 3 submitters: Likely benign (2). 1 of the submissions does not count toward it. Last evaluated 2026-08-01.

Conditions:
FMN2-related disorder. Also called: FMN2-related condition.

Allele frequency attached by ClinVar (database versions not stated): ESP Exome Variant Server 0.00016; ExAC 0.00087.

Submissions (3):

CeGaT Center for Human Genetics Tuebingen
Classification: Likely benign. Last evaluated: 2026-08-01. Review status: criteria provided, single submitter. Criteria: CeGaT Center For Human Genetics Tuebingen Variant Classification Criteria Version 2. Collection method: clinical testing. Allele origin: germline. Affected: yes. Observed: 32 variant alleles.
Comment: FMN2: BP4, BP7

Blueprint Genetics
Classification: Likely benign. Last evaluated: 2024-11-21. Review status: criteria provided, single submitter. Criteria: ACMG Guidelines, 2015. Collection method: clinical testing. Allele origin: germline.

PreventionGenetics, part of Exact Sciences
Classification: Likely benign for FMN2-related condition. Last evaluated: 2020-10-06. Review status: no assertion criteria provided. Collection method: clinical testing. Allele origin: germline. Not counted in ClinVar's aggregate classification.
Comment: This variant is classified as likely benign based on ACMG/AMP sequence variant interpretation guidelines (Richards et al. 2015 PMID: 25741868, with internal and published modifications).